The following is an entry in ClinVar:

NM_001563.4(IMPG1):c.2153G>C (p.Ser718Thr)

Gene: IMPG1 (interphotoreceptor matrix proteoglycan 1; minus strand). Cytogenetic location: 6q14.1.
Variant type: single nucleotide variant.
Coding change: c.2153G>C on transcript NM_001563.4 (MANE Select); coding-DNA position 2153, G replaced by C.
Protein change: p.Ser718Thr; replaces serine 718 with threonine.
Molecular consequence: missense variant.
Genome position (GRCh38, 1-based): chr6:75,931,043, C>G on the plus strand (G>C on the coding strand, the complement: IMPG1 is on the minus strand). VCF-style: chr6-75931043-C-G. GRCh37 (hg19) VCF-style: chr6-76640760-C-G.
Other names: c.2153G>C (NM_001563.2); c.1919G>C, p.Ser640Thr (NM_001282368.2); short protein forms S640T, S718T.
Identifiers: ClinVar variation 1517572 (VCV001517572.7), dbSNP rs954189126, ClinGen allele CA141071182.

ClinVar aggregate classification (germline): Uncertain significance. Review status: criteria provided, multiple submitters, no conflicts (2 of 4 stars). 2 submissions from 2 submitters: Uncertain significance (2). Last evaluated 2024-01-03.

Allele frequency attached by ClinVar (database versions not stated): gnomAD exomes 0.00001; gnomAD 0.00002; TOPMed 0.00003.
gnomAD v4.1: 12 of 1,614,096 alleles (0.00074%); highest among the groups gnomAD compares: African/African-American, 0.016%; no homozygotes.

Submissions (2):

Ambry Genetics
Classification: Uncertain significance. Last evaluated: 2024-01-03. Review status: criteria provided, single submitter. Criteria: Ambry Variant Classification Scheme 2023. Collection method: clinical testing. Allele origin: germline.

Labcorp Genetics (formerly Invitae), Labcorp
Classification: Uncertain significance. Last evaluated: 2021-08-09. Review status: criteria provided, single submitter. Criteria: Invitae Variant Classification Sherloc (09022015). Collection method: clinical testing. Allele origin: germline.
Comment: In summary, the available evidence is currently insufficient to determine the role of this variant in disease. Therefore, it has been classified as a Variant of Uncertain Significance. Algorithms developed to predict the effect of missense changes on protein structure and function (SIFT, PolyPhen-2, Align-GVGD) all suggest that this variant is likely to be tolerated. This variant has not been reported in the literature in individuals affected with IMPG1-related conditions. This sequence change replaces serine with threonine at codon 718 of the IMPG1 protein (p.Ser718Thr). The serine residue is moderately conserved and there is a small physicochemical difference between serine and threonine. This variant is not present in population databases (ExAC no frequency).